The following is an entry in ClinVar:

ClinVar aggregate classification (germline): Pathogenic. Review status: criteria provided, multiple submitters, no conflicts (2 of 4 stars). 2 submissions from 2 submitters: Pathogenic (2). Last evaluated 2023-12-02.

Conditions:
SCN1A-related disorder. Also called: SCN1A-related disorders; SCN1A-related conditions; SCN1A-related condition.
Early-infantile DEE. Also called: Early infantile epileptic encephalopathy; Early infantile epileptic encephalopathy with suppression bursts; Ohtahara syndrome. Identifiers: Orphanet 1934, MedGen C0393706, MONDO:0800491.

Submissions (2):

Labcorp Genetics (formerly Invitae), Labcorp
Classification: Pathogenic for Early-infantile DEE. Last evaluated: 2023-12-02. Review status: criteria provided, single submitter. Criteria: Invitae Variant Classification Sherloc (09022015). Collection method: clinical testing. Allele origin: germline.
Comment: This sequence change creates a premature translational stop signal (p.Gln429*) in the SCN1A gene. It is expected to result in an absent or disrupted protein product. Loss-of-function variants in SCN1A are known to be pathogenic (PMID: 17347258, 18930999). This variant is not present in population databases (gnomAD no frequency). This premature translational stop signal has been observed in individual(s) with Dravet syndrome (PMID: 31864146). ClinVar contains an entry for this variant (Variation ID: 969898). For these reasons, this variant has been classified as Pathogenic.

Blueprint Genetics
Classification: Pathogenic for SCN1A-related disorders. Last evaluated: 2020-09-15. Review status: criteria provided, single submitter. Criteria: ACMG Guidelines, 2015. Collection method: clinical testing. Allele origin: germline. Affected: yes. Observed: 1 variant allele.

Literature cited by the submitters: PubMed 17347258 (cited by Labcorp Genetics (formerly Invitae), Labcorp); PubMed 18930999 (cited by Labcorp Genetics (formerly Invitae), Labcorp); PubMed 31864146 (cited by Labcorp Genetics (formerly Invitae), Labcorp).

NM_001165963.4(SCN1A):c.1285C>T (p.Gln429Ter)

Gene: SCN1A (sodium voltage-gated channel alpha subunit 1; minus strand). Cytogenetic location: 2q24.3.
Variant type: single nucleotide variant.
Coding change: c.1285C>T on transcript NM_001165963.4 (MANE Select); coding-DNA position 1285, C replaced by T.
Protein change: p.Gln429Ter; replaces glutamine 429 with a stop codon.
Molecular consequence: nonsense. On other transcripts: 5 prime UTR variant (1), non-coding transcript variant (1).
Genome position (GRCh38, 1-based): chr2:166,046,862, G>A on the plus strand (C>T on the coding strand, the complement: SCN1A is on the minus strand). VCF-style: chr2-166046862-G-A. GRCh37 (hg19) VCF-style: chr2-166903372-G-A.
Other names: c.1285C>T, p.Gln429Ter (NM_001165964.3, NM_001202435.3, NM_001353948.2 and 10 more transcripts); c.-1141C>T (NM_001353961.2); short protein forms Q429*.
Identifiers: ClinVar variation 969898 (VCV000969898.6), dbSNP rs1455927233, ClinGen allele CA349070765.